The following is an entry in ClinVar:

ClinVar aggregate classification (germline): Likely benign (0 of 4 stars; one submission).

Conditions:
SEMA3F-related disorder. Also called: SEMA3F-related condition.

gnomAD v4.1: 26 of 1,608,906 alleles (0.0016%); highest among the groups gnomAD compares: African/African-American, 0.013%; no homozygotes.

Submission:

PreventionGenetics, part of Exact Sciences
Classification: Likely benign for SEMA3F-related condition. Last evaluated: 2021-11-18. Review status: no assertion criteria provided. Collection method: clinical testing. Allele origin: germline.
Comment: This variant is classified as likely benign based on ACMG/AMP sequence variant interpretation guidelines (Richards et al. 2015 PMID: 25741868, with internal and published modifications).

NM_004186.5(SEMA3F):c.1860C>T (p.Ser620=)

Gene: SEMA3F (semaphorin 3F; plus strand). Cytogenetic location: 3p21.31.
Variant type: single nucleotide variant.
Coding change: c.1860C>T on transcript NM_004186.5 (MANE Select); coding-DNA position 1860, C replaced by T.
Protein change: p.Ser620=; no amino-acid change (serine 620 retained).
Molecular consequence: synonymous variant.
Genome position (GRCh38, 1-based): chr3:50,186,659, C>T. VCF-style: chr3-50186659-C-T. GRCh37 (hg19) VCF-style: chr3-50224092-C-T.
Other names: c.1563C>T, p.Ser521= (NM_001318798.2); c.1767C>T, p.Ser589= (NM_001318800.2).
Identifiers: ClinVar variation 3358089 (VCV003358089.1).
Genomic context (GRCh38, chr3:50,186,659, plus strand): 5'-CTCTCACTCTAAAGCCAACAAGAATGCCGTGGAGTCTGTGCAGTATGGCGTGGCCGGCAG[C>T]GCAGCCTTCCTTGAGTGCCAGCCCCGCTCGCCCCAAGCCACTGTTAAGTGGCTGTTCCAG-3'
Protein context (NP_004177.3, residues 610-630): VESVQYGVAG[Ser620=]AAFLECQPRS